The following is an entry in ClinVar:

ClinVar aggregate classification (germline): Uncertain significance. Review status: criteria provided, multiple submitters, no conflicts (2 of 4 stars). 2 submissions from 2 submitters: Uncertain significance (2). Last evaluated 2022-04-03.

Conditions:
Senior-Loken syndrome 8 (SLSN8). Identifiers: Orphanet 3156, MedGen C4225376, MONDO:0014579, OMIM 616307.
Asphyxiating thoracic dystrophy 5 (SRTD5). Also called: SHORT-RIB THORACIC DYSPLASIA 5 WITHOUT POLYDACTYLY; SHORT-RIB THORACIC DYSPLASIA 5 WITH OR WITHOUT POLYDACTYLY. Identifiers: Orphanet 474, MedGen C3280598, MONDO:0013717, OMIM 614376.

Allele frequency attached by ClinVar (database versions not stated): gnomAD exomes below 0.00001.
gnomAD v4.1: 1 of 1,491,786 alleles (0.000067%); highest among the groups gnomAD compares: Non-Finnish European, 0.00009%; no homozygotes.

Submissions (2):

Labcorp Genetics (formerly Invitae), Labcorp
Classification: Uncertain significance for Senior-Loken syndrome 8; Asphyxiating thoracic dystrophy 5. Last evaluated: 2022-04-03. Review status: criteria provided, single submitter. Criteria: Invitae Variant Classification Sherloc (09022015). Collection method: clinical testing. Allele origin: germline.
Comment: This sequence change falls in intron 27 of the WDR19 gene. It does not directly change the encoded amino acid sequence of the WDR19 protein. It affects a nucleotide within the consensus splice site. This variant is not present in population databases (gnomAD no frequency). This variant has not been reported in the literature in individuals affected with WDR19-related conditions. Variants that disrupt the consensus splice site are a relatively common cause of aberrant splicing (PMID: 17576681, 9536098). Algorithms developed to predict the effect of sequence changes on RNA splicing suggest that this variant may create or strengthen a splice site. In summary, the available evidence is currently insufficient to determine the role of this variant in disease. Therefore, it has been classified as a Variant of Uncertain Significance.

Blueprint Genetics
Classification: Uncertain significance. Last evaluated: 2018-09-21. Review status: criteria provided, single submitter. Criteria: ACMG Guidelines, 2015. Collection method: clinical testing. Allele origin: germline.

Literature cited by the submitters: PubMed 17576681 (cited by Labcorp Genetics (formerly Invitae), Labcorp); PubMed 9536098 (cited by Labcorp Genetics (formerly Invitae), Labcorp).

NM_025132.4(WDR19):c.3114+4A>G

Gene: WDR19 (WD repeat domain 19; plus strand). Cytogenetic location: 4p14.
Variant type: single nucleotide variant.
Coding change: c.3114+4A>G on transcript NM_025132.4 (MANE Select); 4 bases into the intron after coding-DNA position 3114, A replaced by G.
Molecular consequence: intron variant.
Genome position (GRCh38, 1-based): chr4:39,255,964, A>G. VCF-style: chr4-39255964-A-G. GRCh37 (hg19) VCF-style: chr4-39257584-A-G.
Other names: c.2634+4A>G (NM_001317924.2).
Identifiers: ClinVar variation 2121077 (VCV002121077.5), dbSNP rs1422204630, ClinGen allele CA2580070973.
Genomic context (GRCh38, chr4:39,255,964, plus strand): 5'-GAAAAGAGATATCTTCAGGCTGGAAAATTCTTCTTGCTGTGTGGCCAATATTCACGAGTT[A>G]GTATTTGCCAAGAAAATATACACTGACTCCGCAGGAATAATTGTAGGAAATATACGTAAA-3'